The following is an entry in ClinVar:

ClinVar aggregate classification (germline): Pathogenic. Review status: criteria provided, single submitter (1 of 4 stars). 2 submissions from 2 submitters: Pathogenic (1). 1 of the submissions does not count toward it. Last evaluated 2025-01-06.

Conditions:
X-linked severe combined immunodeficiency (SCIDX1). Also called: T-B+ severe combined immunodeficiency due to gamma chain deficiency; IMMUNODEFICIENCY 4; X-Linked Combined Immunodeficiency Diseases; SCID, X-LINKED; SEVERE COMBINED IMMUNODEFICIENCY, X-LINKED, T CELL-NEGATIVE, B CELL-POSITIVE, NK CELL-NEGATIVE. Identifiers: Orphanet 276, MedGen C6022468, MONDO:0010315, OMIM 300400. Disease mechanism: loss of function.

Submissions (2):

Labcorp Genetics (formerly Invitae), Labcorp
Classification: Pathogenic for X-linked severe combined immunodeficiency. Last evaluated: 2025-01-06. Review status: criteria provided, single submitter. Criteria: Invitae Variant Classification Sherloc (09022015). Collection method: clinical testing. Allele origin: germline.
Comment: This sequence change creates a premature translational stop signal (p.Gln188*) in the IL2RG gene. It is expected to result in an absent or disrupted protein product. Loss-of-function variants in IL2RG are known to be pathogenic (PMID: 9058718, 10794430). This variant is not present in population databases (gnomAD no frequency). This premature translational stop signal has been observed in individual(s) with severe combined immunodeficiency (PMID: 9058718, 28747913). ClinVar contains an entry for this variant (Variation ID: 463379). Algorithms developed to predict the effect of sequence changes on RNA splicing suggest that this variant may disrupt the consensus splice site. For these reasons, this variant has been classified as Pathogenic.

Natera, Inc.
Classification: Pathogenic for X-linked severe combined immunodeficiency. Last evaluated: 2020-09-16. Review status: no assertion criteria provided. Collection method: clinical testing. Allele origin: germline. Not counted in ClinVar's aggregate classification.

Literature cited by the submitters: PubMed 9058718 (cited by Labcorp Genetics (formerly Invitae), Labcorp); PubMed 10794430 (cited by Labcorp Genetics (formerly Invitae), Labcorp); PubMed 28747913 (cited by Labcorp Genetics (formerly Invitae), Labcorp).

NM_000206.3(IL2RG):c.562C>T (p.Gln188Ter)

Gene: IL2RG (interleukin 2 receptor subunit gamma; minus strand). Cytogenetic location: Xq13.1.
Variant type: single nucleotide variant.
Coding change: c.562C>T on transcript NM_000206.3 (MANE Select); coding-DNA position 562, C replaced by T.
Protein change: p.Gln188Ter; replaces glutamine 188 with a stop codon.
Molecular consequence: nonsense.
Genome position (GRCh38, 1-based): chrX:71,110,188, G>A on the plus strand (C>T on the coding strand, the complement: IL2RG is on the minus strand). VCF-style: chrX-71110188-G-A. GRCh37 (hg19) VCF-style: chrX-70330038-G-A.
Other names: short protein forms Q188*.
Identifiers: ClinVar variation 463379 (VCV000463379.11), dbSNP rs1556330552, ClinGen allele CA413496265.